The following is an entry in ClinVar:

NM_001098668.4(SFTPA2):c.292+21G>A

Gene: SFTPA2 (surfactant protein A2; minus strand). Cytogenetic location: 10q22.3.
Variant type: single nucleotide variant.
Coding change: c.292+21G>A on transcript NM_001098668.4 (MANE Select); 21 bases into the intron after coding-DNA position 292, G replaced by A.
Molecular consequence: intron variant.
Genome position (GRCh38, 1-based): chr10:79,558,865, C>T on the plus strand (G>A on the coding strand, the complement: SFTPA2 is on the minus strand). VCF-style: chr10-79558865-C-T. GRCh37 (hg19) VCF-style: chr10-81318621-C-T.
Other names: c.292+21G>A (NM_001098668.3, NM_001320813.2); c.322+21G>A (NM_001320814.1).
Identifiers: ClinVar variation 1332949 (VCV001332949.4), dbSNP rs17884396, ClinGen allele CA5574113.

ClinVar aggregate classification (germline): Benign. Review status: criteria provided, multiple submitters, no conflicts (2 of 4 stars). 3 submissions from 3 submitters: Benign (2). 1 of the submissions does not count toward it. Last evaluated 2021-07-15.

Conditions:
SFTPA2-related disorder. Also called: SFTPA2-related condition.
Interstitial lung disease 2 (ILD2). Also called: Familial idiopathic pulmonary fibrosis; FIBROCYSTIC PULMONARY DYSPLASIA; FIBROSING ALVEOLITIS, CRYPTOGENIC. Identifiers: Orphanet 2032, Orphanet 79126, MedGen C5561926, MONDO:0800497, OMIM 178500, MONDO:0800029.

Allele frequency attached by ClinVar (database versions not stated): gnomAD exomes 0.25138 and 0.29395; ExAC 0.29599; ESP Exome Variant Server 0.33382; gnomAD 0.33494 and 0.33614; TOPMed 0.34487; 1000 Genomes Project 0.34625; 1000 Genomes Project 30x 0.35244.
gnomAD v4.1: 419,481 of 1,613,696 alleles (26%); highest among the groups gnomAD compares: African/African-American, 52%; 59,938 homozygotes.

Submissions (3):

Genome-Nilou Lab
Classification: Benign for Interstitial lung disease 2. Last evaluated: 2021-07-15. Review status: criteria provided, single submitter. Criteria: ACMG Guidelines, 2015. Collection method: clinical testing. Allele origin: germline. Affected: no.

Breakthrough Genomics
Classification: Benign. Review status: criteria provided, single submitter. Criteria: ACMG Guidelines, 2015. Collection method: not provided. Allele origin: germline. Inheritance: Autosomal dominant inheritance. Affected: yes.

PreventionGenetics, part of Exact Sciences
Classification: Benign for SFTPA2-related condition. Last evaluated: 2021-05-21. Review status: no assertion criteria provided. Collection method: clinical testing. Allele origin: germline. Not counted in ClinVar's aggregate classification.
Comment: This variant is classified as benign based on ACMG/AMP sequence variant interpretation guidelines (Richards et al. 2015 PMID: 25741868, with internal and published modifications).